The following is an entry in ClinVar:

NM_005751.5(AKAP9):c.11685A>G (p.Ser3895=)

Gene: AKAP9 (A-kinase anchoring protein 9; plus strand). Cytogenetic location: 7q21.2.
Variant type: single nucleotide variant.
Coding change: c.11685A>G on transcript NM_005751.5 (MANE Select); coding-DNA position 11685, A replaced by G.
Protein change: p.Ser3895=; no amino-acid change (serine 3895 retained).
Molecular consequence: synonymous variant.
Genome position (GRCh38, 1-based): chr7:92,108,632, A>G. VCF-style: chr7-92108632-A-G. GRCh37 (hg19) VCF-style: chr7-91737946-A-G.
Other names: c.6330A>G, p.Ser2110= (NM_001379277.1); c.11661A>G, p.Ser3887= (NM_147185.3).
Identifiers: ClinVar variation 4613395 (VCV004613395.3).

ClinVar aggregate classification (germline): Uncertain significance. Review status: criteria provided, multiple submitters, no conflicts (2 of 4 stars). 2 submissions from 2 submitters: Uncertain significance (2). Last evaluated 2026-04-01.

Conditions:
Cardiovascular phenotype. Identifiers: MedGen CN230736.

Submissions (2):

CeGaT Center for Human Genetics Tuebingen
Classification: Uncertain significance. Last evaluated: 2026-04-01. Review status: criteria provided, single submitter. Criteria: CeGaT Center For Human Genetics Tuebingen Variant Classification Criteria Version 2. Collection method: clinical testing. Allele origin: germline. Affected: yes. Observed: 1 variant allele.
Comment: AKAP9: PM2:Supporting, PP3

Ambry Genetics
Classification: Uncertain significance for Cardiovascular phenotype. Last evaluated: 2025-10-28. Review status: criteria provided, single submitter. Criteria: Ambry Variant Classification Scheme 2023. Collection method: clinical testing. Allele origin: germline.
Comment: The c.11685A>G variant (also known as p.S3895S), located in coding exon 49 of the AKAP9 gene, results from an A to G substitution at nucleotide position 11685. This nucleotide substitution does not change the serine at codon 3895. This nucleotide position is highly conserved in available vertebrate species. In silico splice site analysis predicts that this alteration will weaken the native splice donor site. Based on the available evidence, the clinical significance of this variant remains unclear.